The following is an entry in ClinVar:

ClinVar aggregate classification (germline): Likely benign. Review status: criteria provided, single submitter (1 of 4 stars). 2 submissions from 2 submitters: Likely benign (1). 1 of the submissions does not count toward it. Last evaluated 2025-10-02.

Conditions:
TOP3A-related disorder. Also called: TOP3A-related disorders; TOP3A-related condition.

Allele frequency attached by ClinVar (database versions not stated): gnomAD 0.00003; TOPMed 0.00003; ESP Exome Variant Server 0.00008.
gnomAD v4.1: 64 of 1,613,702 alleles (0.004%); highest among the groups gnomAD compares: South Asian, 0.052%; 1 homozygote.

Submissions (2):

Labcorp Genetics (formerly Invitae), Labcorp
Classification: Likely benign. Last evaluated: 2025-10-02. Review status: criteria provided, single submitter. Criteria: Invitae Variant Classification Sherloc (09022015). Collection method: clinical testing. Allele origin: germline.

PreventionGenetics, part of Exact Sciences
Classification: Likely benign for TOP3A-related condition. Last evaluated: 2019-02-21. Review status: no assertion criteria provided. Collection method: clinical testing. Allele origin: germline. Not counted in ClinVar's aggregate classification.
Comment: This variant is classified as likely benign based on ACMG/AMP sequence variant interpretation guidelines (Richards et al. 2015 PMID: 25741868, with internal and published modifications).

NM_004618.5(TOP3A):c.2022-8G>A

Gene: TOP3A (DNA topoisomerase III alpha; minus strand). Cytogenetic location: 17p11.2.
Variant type: single nucleotide variant.
Coding change: c.2022-8G>A on transcript NM_004618.5 (MANE Select); 8 bases into the intron before coding-DNA position 2022, G replaced by A.
Molecular consequence: intron variant.
Genome position (GRCh38, 1-based): chr17:18,280,666, C>T on the plus strand (G>A on the coding strand, the complement: TOP3A is on the minus strand). VCF-style: chr17-18280666-C-T. GRCh37 (hg19) VCF-style: chr17-18183980-C-T.
Other names: c.1737-8G>A (NM_001320759.2).
Identifiers: ClinVar variation 3046464 (VCV003046464.4), dbSNP rs377403286, ClinGen allele CA8429713.